The following is an entry in ClinVar:

NM_000465.2:c.1764_1765insALU

Gene: BARD1 (BRCA1 associated RING domain 1; minus strand).
Variant type: Insertion.
Identifiers: ClinVar variation 2450462 (VCV002450462.2).

ClinVar aggregate classification (germline): Likely pathogenic (1 of 4 stars; one submission).

Conditions:
Hereditary cancer-predisposing syndrome. Also called: Neoplastic Syndromes, Hereditary; Tumor predisposition; Hereditary neoplastic syndrome; Hereditary Cancer Syndrome. Identifiers: Orphanet 140162, MedGen C0027672, MeSH D009386, MONDO:0015356.

Submission:

Ambry Genetics
Classification: Likely pathogenic for Hereditary cancer-predisposing syndrome. Last evaluated: 2022-12-22. Review status: criteria provided, single submitter. Criteria: Ambry Variant Classification Scheme 2023. Collection method: clinical testing. Allele origin: germline.
Comment: The c.1764_1765insAlu likely pathogenic variant results from the insertion of an Alu element between nucleotides 1764 and 1765 in coding exon 8 of the BARD1 gene. Mobile element insertions contribute to pathogenicity by either disrupting the coding sequence or inducing aberrant splicing (Belancio VP et al. Semin. Cancer Biol. 2010 Aug;20:200-10; Deininger P et al. Genome Biol. 2011 Dec;12:236; van der Klift HM Hum Mutat. 2012 Jul;33(7):1051-5). This Alu element insertion has been reported in the literature in individuals referred for hereditary cancer testing (Qian Y et al. Cancer Genet. 2017 Oct;216-217:159-169; van den Akker J et al. J Mol Diagn, 2021 May;23:612-629). Based on the majority of available evidence to date, this variant is likely to be pathogenic.

Literature cited by the submitters: PubMed 29025590; PubMed 33621668.